The following is an entry in ClinVar:

ClinVar aggregate classification (germline): Uncertain significance. Review status: criteria provided, multiple submitters, no conflicts (2 of 4 stars). 2 submissions from 2 submitters: Uncertain significance (2). Last evaluated 2023-11-12.

Conditions:
Inborn genetic diseases. Identifiers: MedGen C0950123, MeSH D030342.
Spastic paraplegia. Identifiers: MedGen C0037772, HP:0001258.

gnomAD v4.1: 1 of 1,609,000 alleles (0.000062%); no homozygotes.

Submissions (2):

Labcorp Genetics (formerly Invitae), Labcorp
Classification: Uncertain significance for Spastic paraplegia. Last evaluated: 2023-11-12. Review status: criteria provided, single submitter. Criteria: Invitae Variant Classification Sherloc (09022015). Collection method: clinical testing. Allele origin: germline.
Comment: This sequence change falls in intron 2 of the FA2H gene. It does not directly change the encoded amino acid sequence of the FA2H protein. It affects a nucleotide within the consensus splice site. This variant is present in population databases (no rsID available, gnomAD 0.004%). This variant has not been reported in the literature in individuals affected with FA2H-related conditions. ClinVar contains an entry for this variant (Variation ID: 2286743). Variants that disrupt the consensus splice site are a relatively common cause of aberrant splicing (PMID: 17576681, 9536098). Algorithms developed to predict the effect of sequence changes on RNA splicing suggest that this variant is not likely to affect RNA splicing. In summary, the available evidence is currently insufficient to determine the role of this variant in disease. Therefore, it has been classified as a Variant of Uncertain Significance.

Ambry Genetics
Classification: Uncertain significance for Inborn genetic diseases. Last evaluated: 2022-06-02. Review status: criteria provided, single submitter. Criteria: Ambry Variant Classification Scheme 2023. Collection method: clinical testing. Allele origin: germline.
Comment: The c.363+5C>A intronic alteration consists of a C to A substitution 5 nucleotides after exon 2 of the FA2H gene. Based on insufficient or conflicting evidence, the clinical significance of this alteration remains unclear.

Literature cited by the submitters: PubMed 17576681 (cited by Labcorp Genetics (formerly Invitae), Labcorp); PubMed 9536098 (cited by Labcorp Genetics (formerly Invitae), Labcorp).

NM_024306.5(FA2H):c.363+5C>A

Gene: FA2H (fatty acid 2-hydroxylase; minus strand). Cytogenetic location: 16q23.1.
Variant type: single nucleotide variant.
Coding change: c.363+5C>A on transcript NM_024306.5 (MANE Select); 5 bases into the intron after coding-DNA position 363, C replaced by A.
Molecular consequence: intron variant.
Genome position (GRCh38, 1-based): chr16:74,740,018, G>T on the plus strand (C>A on the coding strand, the complement: FA2H is on the minus strand). VCF-style: chr16-74740018-G-T. GRCh37 (hg19) VCF-style: chr16-74773916-G-T.
Identifiers: ClinVar variation 2286743 (VCV002286743.5), dbSNP rs754553995, ClinGen allele CA623330555.
Genomic context (GRCh38, chr16:74,740,018, plus strand): 5'-CCCTCTTCCTCTCCTCATTCCCGCCAGCCCCCAGTCATCACCCCACTCCATCCTATGCCA[G>T]GTACCTTGTCCCAATCCACCACTTTGAACCGTGGTTCCATAGCAGGATCTGTCTTCTGAG-3'